The following is an entry in ClinVar:

ClinVar aggregate classification (germline): Uncertain significance (1 of 4 stars; one submission).

Allele frequency attached by ClinVar (database versions not stated): gnomAD exomes below 0.00001.
gnomAD v4.1: 1 of 1,613,736 alleles (0.000062%); highest among the groups gnomAD compares: Admixed American, 0.0017%; no homozygotes.

Submission:

GeneDx
Classification: Uncertain significance. Last evaluated: 2022-09-06. Review status: criteria provided, single submitter. Criteria: GeneDx Variant Classification Process June 2021. Collection method: clinical testing. Allele origin: germline. Affected: yes.
Comment: Not observed at significant frequency in large population cohorts (gnomAD); In silico analysis supports that this missense variant does not alter protein structure/function; Has not been previously published as pathogenic or benign to our knowledge

NM_014920.5(CILK1):c.1572G>C (p.Leu524Phe)

Gene: CILK1 (ciliogenesis associated kinase 1; minus strand). Cytogenetic location: 6p12.1.
Variant type: single nucleotide variant.
Coding change: c.1572G>C on transcript NM_014920.5 (MANE Select); coding-DNA position 1572, G replaced by C.
Protein change: p.Leu524Phe; replaces leucine 524 with phenylalanine.
Molecular consequence: missense variant. On other transcripts: non-coding transcript variant (1).
Genome position (GRCh38, 1-based): chr6:53,009,488, C>G on the plus strand (G>C on the coding strand, the complement: CILK1 is on the minus strand). VCF-style: chr6-53009488-C-G. GRCh37 (hg19) VCF-style: chr6-52874286-C-G.
Other names: c.1593G>C, p.Leu531Phe (NM_001375397.1); c.1572G>C, p.Leu524Phe (NM_001375398.1, NM_001375399.1, NM_001375400.1 and 3 more transcripts); short protein forms L524F, L531F.
Identifiers: ClinVar variation 2442496 (VCV002442496.1), dbSNP rs2533240565, ClinGen allele CA364466096.